The following is an entry in ClinVar:

ClinVar aggregate classification (germline): Uncertain significance (1 of 4 stars; one submission).

Conditions:
Early-infantile DEE. Also called: Early infantile epileptic encephalopathy; Ohtahara syndrome; Early infantile epileptic encephalopathy with suppression bursts. Identifiers: Orphanet 1934, MedGen C0393706, MONDO:0800491.

Submission:

Labcorp Genetics (formerly Invitae), Labcorp
Classification: Uncertain significance for Early-infantile DEE. Last evaluated: 2022-05-31. Review status: criteria provided, single submitter. Criteria: Invitae Variant Classification Sherloc (09022015). Collection method: clinical testing. Allele origin: germline.
Comment: This sequence change replaces alanine, which is neutral and non-polar, with glycine, which is neutral and non-polar, at codon 135 of the ARHGEF15 protein (p.Ala135Gly). This variant is not present in population databases (gnomAD no frequency). This variant has not been reported in the literature in individuals affected with ARHGEF15-related conditions. Algorithms developed to predict the effect of missense changes on protein structure and function are either unavailable or do not agree on the potential impact of this missense change (SIFT: "Deleterious"; PolyPhen-2: "Benign"; Align-GVGD: "Class C0"). In summary, the available evidence is currently insufficient to determine the role of this variant in disease. Therefore, it has been classified as a Variant of Uncertain Significance.

NM_173728.4(ARHGEF15):c.404C>G (p.Ala135Gly)

Gene: ARHGEF15 (Rho guanine nucleotide exchange factor 15; plus strand). Cytogenetic location: 17p13.1.
Variant type: single nucleotide variant.
Coding change: c.404C>G on transcript NM_173728.4 (MANE Select); coding-DNA position 404, C replaced by G.
Protein change: p.Ala135Gly; replaces alanine 135 with glycine.
Molecular consequence: missense variant.
Genome position (GRCh38, 1-based): chr17:8,312,443, C>G. VCF-style: chr17-8312443-C-G. GRCh37 (hg19) VCF-style: chr17-8215761-C-G.
Other names: c.404C>G, p.Ala135Gly (NM_025014.2); short protein forms A135G.
Identifiers: ClinVar variation 2001460 (VCV002001460.4), dbSNP rs2543927207, ClinGen allele CA398014492.